The following is an entry in ClinVar:

NM_000051.4(ATM):c.5096C>T (p.Ala1699Val)

Gene: ATM (ATM serine/threonine kinase; plus strand). Cytogenetic location: 11q22.3.
Variant type: single nucleotide variant.
Coding change: c.5096C>T on transcript NM_000051.4 (MANE Select); coding-DNA position 5096, C replaced by T.
Protein change: p.Ala1699Val; replaces alanine 1699 with valine.
Molecular consequence: missense variant.
Genome position (GRCh38, 1-based): chr11:108,299,804, C>T. VCF-style: chr11-108299804-C-T. GRCh37 (hg19) VCF-style: chr11-108170531-C-T.
Other names: c.5096C>T, p.Ala1699Val (NM_001351834.2); short protein forms A1699V.
Identifiers: ClinVar variation 632654 (VCV000632654.22), dbSNP rs992234584, ClinGen allele CA228386181.

ClinVar aggregate classification (germline): Uncertain significance. Review status: criteria provided, multiple submitters, no conflicts (2 of 4 stars). 7 submissions from 7 submitters: Uncertain significance (6). 1 of the submissions does not count toward it. Last evaluated 2025-06-12.

Conditions:
Ataxia-telangiectasia syndrome (AT). Also called: Ataxia-telangiectasia, complementation group D; AT, COMPLEMENTATION GROUP C; Ataxia-telangiectasia; ATAXIA-TELANGIECTASIA, COMPLEMENTATION GROUP A; ATAXIA-TELANGIECTASIA, FRESNO VARIANT; LOUIS-BAR SYNDROME. Identifiers: Orphanet 100, MedGen C0004135, MONDO:0008840, OMIM 208900.
Hereditary cancer-predisposing syndrome. Also called: Hereditary Cancer Syndrome; Neoplastic Syndromes, Hereditary; Tumor predisposition; Hereditary neoplastic syndrome. Identifiers: Orphanet 140162, MedGen C0027672, MeSH D009386, MONDO:0015356.
Familial cancer of breast. Also called: BREAST CANCER, FAMILIAL; hereditary breast carcinoma; Hereditary breast cancer. Identifiers: Orphanet 227535, MedGen C0346153, MONDO:0016419, OMIM 114480. Disease mechanism: loss of function.

Allele frequency attached by ClinVar (database versions not stated): gnomAD exomes below 0.00001; TOPMed below 0.00001.
gnomAD v4.1: 2 of 1,613,808 alleles (0.00012%); highest among the groups gnomAD compares: Admixed American, 0.0033%; no homozygotes.

Submissions (7):

Ambry Genetics
Classification: Uncertain significance for Hereditary cancer-predisposing syndrome. Last evaluated: 2025-06-12. Review status: criteria provided, single submitter. Criteria: Ambry Variant Classification Scheme 2023. Collection method: clinical testing. Allele origin: germline.
Comment: The p.A1699V variant (also known as c.5096C>T), located in coding exon 33 of the ATM gene, results from a C to T substitution at nucleotide position 5096. The alanine at codon 1699 is replaced by valine, an amino acid with similar properties. This amino acid position is well conserved in available vertebrate species. In addition, this alteration is predicted to be tolerated by in silico analysis. Since supporting evidence is limited at this time, the clinical significance of this alteration remains unclear.

Labcorp Genetics (formerly Invitae), Labcorp
Classification: Uncertain significance for Ataxia-telangiectasia syndrome. Last evaluated: 2024-08-14. Review status: criteria provided, single submitter. Criteria: Invitae Variant Classification Sherloc (09022015). Collection method: clinical testing. Allele origin: germline.
Comment: This sequence change replaces alanine, which is neutral and non-polar, with valine, which is neutral and non-polar, at codon 1699 of the ATM protein (p.Ala1699Val). This variant is not present in population databases (gnomAD no frequency). This variant has not been reported in the literature in individuals affected with ATM-related conditions. ClinVar contains an entry for this variant (Variation ID: 632654). An algorithm developed to predict the effect of missense changes on protein structure and function (PolyPhen-2) suggests that this variant is likely to be disruptive. In summary, the available evidence is currently insufficient to determine the role of this variant in disease. Therefore, it has been classified as a Variant of Uncertain Significance.

Fulgent Genetics
Classification: Uncertain significance for Familial cancer of breast; Ataxia-telangiectasia syndrome. Last evaluated: 2024-05-30. Review status: criteria provided, single submitter. Criteria: ACMG Guidelines, 2015. Collection method: clinical testing. Allele origin: germline.

Baylor Genetics
Classification: Uncertain significance for Familial cancer of breast. Last evaluated: 2023-11-09. Review status: criteria provided, single submitter. Criteria: ACMG Guidelines, 2015. Collection method: clinical testing. Allele origin: unknown.

Color Diagnostics, LLC DBA Color Health
Classification: Uncertain significance for Hereditary cancer-predisposing syndrome. Last evaluated: 2023-09-18. Review status: criteria provided, single submitter. Criteria: ACMG Guidelines, 2015. Collection method: clinical testing. Allele origin: germline.
Comment: This missense variant replaces alanine with valine at codon 1699 of the ATM protein. Computational prediction suggests that this variant may not impact protein structure and function (internally defined REVEL score threshold <= 0.5, PMID: 27666373). To our knowledge, functional studies have not been reported for this variant. This variant has not been reported in individuals affected with ATM-related disorders in the literature. This variant has not been identified in the general population by the Genome Aggregation Database (gnomAD). The available evidence is insufficient to determine the role of this variant in disease conclusively. Therefore, this variant is classified as a Variant of Uncertain Significance.

Women's Health and Genetics/Laboratory Corporation of America, LabCorp
Classification: Uncertain significance. Last evaluated: 2018-09-24. Review status: criteria provided, single submitter. Criteria: LabCorp Variant Classification Summary - May 2015. Collection method: clinical testing. Allele origin: germline.
Comment: Variant summary: ATM c.5096C>T (p.Ala1699Val) results in a non-conservative amino acid change in the encoded protein sequence. Three of five in-silico tools predict a damaging effect of the variant on protein function. The variant was absent in 245964 control chromosomes. The available data on variant occurrences in the general population are insufficient to allow any conclusion about variant significance. c.5096C>T has been reported in the literature in FFPE tissue specimens from colorectal tumors, thus these reports do not provide unequivocal conclusions about the germline association of the variant with Ataxia-Telangiectasia or cancer. To our knowledge, no experimental evidence demonstrating an impact on protein function has been reported. No clinical diagnostic laboratories have submitted clinical-significance assessments for this variant to ClinVar after 2014. Based on the evidence outlined above, the variant was classified as uncertain significance.

Natera, Inc.
Classification: Uncertain significance for Ataxia-telangiectasia. Last evaluated: 2021-05-03. Review status: no assertion criteria provided. Collection method: clinical testing. Allele origin: germline. Not counted in ClinVar's aggregate classification.

Literature cited by the submitters: PubMed 27756406 (cited by Women's Health and Genetics/Laboratory Corporation of America, LabCorp); PubMed 26010451 (cited by Women's Health and Genetics/Laboratory Corporation of America, LabCorp).